The following is an entry in ClinVar:

ClinVar aggregate classification (germline): Uncertain significance. Review status: criteria provided, multiple submitters, no conflicts (2 of 4 stars). 4 submissions from 4 submitters: Uncertain significance (4). Last evaluated 2024-09-04.

Conditions:
Hereditary cancer-predisposing syndrome. Also called: Neoplastic Syndromes, Hereditary; Tumor predisposition; Hereditary Cancer Syndrome; Hereditary neoplastic syndrome. Identifiers: Orphanet 140162, MedGen C0027672, MeSH D009386, MONDO:0015356.
Familial cancer of breast. Also called: BREAST CANCER, FAMILIAL; Hereditary breast cancer; hereditary breast carcinoma. Identifiers: Orphanet 227535, MedGen C0346153, MONDO:0016419, OMIM 114480. Disease mechanism: loss of function.

Submissions (4):

Labcorp Genetics (formerly Invitae), Labcorp
Classification: Uncertain significance for Familial cancer of breast. Last evaluated: 2024-09-04. Review status: criteria provided, single submitter. Criteria: Invitae Variant Classification Sherloc (09022015). Collection method: clinical testing. Allele origin: germline.
Comment: This sequence change replaces leucine, which is neutral and non-polar, with proline, which is neutral and non-polar, at codon 355 of the CHEK2 protein (p.Leu355Pro). This variant is not present in population databases (gnomAD no frequency). This variant has not been reported in the literature in individuals affected with CHEK2-related conditions. ClinVar contains an entry for this variant (Variation ID: 924878). An algorithm developed to predict the effect of missense changes on protein structure and function (PolyPhen-2) suggests that this variant is likely to be disruptive. In summary, the available evidence is currently insufficient to determine the role of this variant in disease. Therefore, it has been classified as a Variant of Uncertain Significance.

GeneDx
Classification: Uncertain significance. Last evaluated: 2023-10-22. Review status: criteria provided, single submitter. Criteria: GeneDx Variant Classification Process June 2021. Collection method: clinical testing. Allele origin: germline. Affected: yes.
Comment: Not observed at significant frequency in large population cohorts (gnomAD); In silico analysis supports that this missense variant has a deleterious effect on protein structure/function; Has not been previously published as pathogenic or benign to our knowledge; This variant is associated with the following publications: (PMID: 18297428, 22419737, 19782031)

Ambry Genetics
Classification: Uncertain significance for Hereditary cancer-predisposing syndrome. Last evaluated: 2021-01-21. Review status: criteria provided, single submitter. Criteria: Ambry Variant Classification Scheme 2023. Collection method: clinical testing. Allele origin: germline.
Comment: The p.L355P variant (also known as c.1064T>C), located in coding exon 9 of the CHEK2 gene, results from a T to C substitution at nucleotide position 1064. The leucine at codon 355 is replaced by proline, an amino acid with similar properties. This amino acid position is highly conserved in available vertebrate species. In addition, this alteration is predicted to be deleterious by in silico analysis. Since supporting evidence is limited at this time, the clinical significance of this alteration remains unclear.

Color Diagnostics, LLC DBA Color Health
Classification: Uncertain significance for Hereditary cancer-predisposing syndrome. Last evaluated: 2019-01-11. Review status: criteria provided, single submitter. Criteria: ACMG Guidelines, 2015. Collection method: clinical testing. Allele origin: germline.

NM_007194.4(CHEK2):c.1064T>C (p.Leu355Pro)

Gene: CHEK2 (checkpoint kinase 2; minus strand). Cytogenetic location: 22q12.1.
Variant type: single nucleotide variant.
Coding change: c.1064T>C on transcript NM_007194.4 (MANE Select); coding-DNA position 1064, T replaced by C.
Protein change: p.Leu355Pro; replaces leucine 355 with proline.
Molecular consequence: missense variant. On other transcripts: intron variant (3).
Genome position (GRCh38, 1-based): chr22:28,696,932, A>G on the plus strand (T>C on the coding strand, the complement: CHEK2 is on the minus strand). VCF-style: chr22-28696932-A-G. GRCh37 (hg19) VCF-style: chr22-29092920-A-G.
Other names: c.1193T>C, p.Leu398Pro (NM_001005735.3); c.401T>C, p.Leu134Pro (NM_001257387.3, NM_001437942.1); c.863T>C, p.Leu288Pro (NM_001349956.3); c.1157T>C, p.Leu386Pro (NM_001438293.1); c.1009-1059T>C (NM_145862.3); c.1102-1059T>C (NM_001438295.1); c.1138-1059T>C (NM_001438294.1); short protein forms L355P, L398P, L288P, L134P, L386P.
Identifiers: ClinVar variation 924878 (VCV000924878.8), dbSNP rs2052608641, ClinGen allele CA411097585.